The following is an entry in ClinVar:

NM_000463.3(UGT1A1):c.1208G>A (p.Arg403His)

Genes: UGT1A4 (UDP glucuronosyltransferase family 1 member A4; plus strand), UGT1A5 (UDP glucuronosyltransferase family 1 member A5; plus strand), UGT1A6 (UDP glucuronosyltransferase family 1 member A6; plus strand), UGT1A7 (UDP glucuronosyltransferase family 1 member A7; plus strand), UGT1A8 (UDP glucuronosyltransferase family 1 member A8; plus strand) and 5 more. Cytogenetic location: 2q37.1.
Variant type: single nucleotide variant.
Coding change: c.1208G>A on transcript NM_000463.3 (MANE Select); coding-DNA position 1208, G replaced by A.
Protein change: p.Arg403His; replaces arginine 403 with histidine.
Molecular consequence: missense variant.
Genome position (GRCh38, 1-based): chr2:233,768,343, G>A. VCF-style: chr2-233768343-G-A. GRCh37 (hg19) VCF-style: chr2-234676989-G-A.
Other names: c.1199G>A, p.Arg400His (NM_019075.4, NM_019076.5, NM_019077.3 and 1 more transcripts); c.1205G>A, p.Arg402His (NM_001072.4); c.404G>A, p.Arg135His (NM_205862.3); c.1211G>A, p.Arg404His (NM_019078.2, NM_007120.3, NM_019093.4); short protein forms R403H, R402H, R404H, R400H, R135H.
Identifiers: ClinVar variation 502603 (VCV000502603.6), dbSNP rs140613392, ClinGen allele CA2180031.

ClinVar aggregate classification (germline): Uncertain significance. Review status: criteria provided, multiple submitters, no conflicts (2 of 4 stars). 2 submissions from 2 submitters: Uncertain significance (2). Last evaluated 2026-01-03.

Conditions:
UGT1A1-related disorder. Also called: UGT1A1-related condition; UGT1A1-related disorders.

Allele frequency attached by ClinVar (database versions not stated): gnomAD exomes 0.00005; ExAC 0.00006; TOPMed 0.00009; gnomAD 0.00011 and 0.00015; 1000 Genomes Project 30x 0.00016; 1000 Genomes Project 0.00020; ESP Exome Variant Server 0.00023.
gnomAD v4.1: 68 of 1,614,170 alleles (0.0042%); highest among the groups gnomAD compares: African/African-American, 0.037%; no homozygotes.

Submissions (2):

PreventionGenetics, part of Exact Sciences
Classification: Uncertain significance for UGT1A1-related condition. Last evaluated: 2026-01-03. Review status: criteria provided, single submitter. Criteria: ACMG Guidelines, 2015. Collection method: clinical testing. Allele origin: germline.
Comment: The UGT1A1 c.1208G>A variant is predicted to result in the amino acid substitution p.Arg403His. To our knowledge, this variant has not been reported in the literature in individuals with UGT1A1-related disorders. This variant is reported in 0.029% of alleles in individuals of South Asian descent in gnomAD. At this time, the clinical significance of this variant is uncertain due to the absence of conclusive functional and genetic evidence.

Eurofins Ntd Llc (ga)
Classification: Uncertain significance. Last evaluated: 2017-06-15. Review status: criteria provided, single submitter. Criteria: EGL Classification Definitions 2015. Collection method: clinical testing. Allele origin: germline. Observed: 1 variant allele, 1 heterozygote.